The following is an entry in ClinVar:

NM_004517.4(ILK):c.647A>G (p.Asp216Gly)

Genes: ILK (integrin linked kinase; plus strand), TAF10 (TATA-box binding protein associated factor 10; minus strand). Cytogenetic location: 11p15.4.
Variant type: single nucleotide variant.
Coding change: c.647A>G on transcript NM_004517.4 (MANE Select); coding-DNA position 647, A replaced by G.
Protein change: p.Asp216Gly; replaces aspartic acid 216 with glycine.
Molecular consequence: missense variant. On other transcripts: 3 prime UTR variant (1).
Genome position (GRCh38, 1-based): chr11:6,609,327, A>G. VCF-style: chr11-6609327-A-G. GRCh37 (hg19) VCF-style: chr11-6630558-A-G.
Other names: c.647A>G, p.Asp216Gly (NM_001014794.3, NM_001014795.3); c.464A>G, p.Asp155Gly (NM_001278441.2); c.245A>G, p.Asp82Gly (NM_001278442.2); c.*1595T>C (NM_006284.4); short protein forms D155G, D216G, D82G.
Identifiers: ClinVar variation 1299856 (VCV001299856.4), dbSNP rs576804127, ClinGen allele CA217314206.
Genomic context (GRCh38, chr11:6,609,327, plus strand): 5'-TTCAAGCCTCCTAACCCCTACCTGTCCTGCAGCTATGGAAGGGCCGCTGGCAGGGCAATG[A>G]CATTGTCGTGAAGGTGCTGAAGGTTCGAGACTGGAGTACAAGGAAGAGCAGGGACTTCAA-3'
Protein context (NP_004508.1, residues 206-226): ELWKGRWQGN[Asp216Gly]IVVKVLKVRD

ClinVar aggregate classification (germline): Uncertain significance. Review status: criteria provided, single submitter (1 of 4 stars). 3 submissions from 3 submitters: Uncertain significance (1). 2 of the submissions do not count toward it. Last evaluated 2023-06-17.

Conditions:
Primary familial hypertrophic cardiomyopathy (HCM). Identifiers: Orphanet 99739, MedGen C0949658, MeSH D024741, MONDO:0024573. Inheritance: Various modes of inheritance.

Allele frequency attached by ClinVar (database versions not stated): gnomAD exomes 0.00001 and 0.00002.
gnomAD v4.1: 11 of 1,614,148 alleles (0.00068%); highest among the groups gnomAD compares: Non-Finnish European, 0.00093%; no homozygotes.

Submissions (3):

Labcorp Genetics (formerly Invitae), Labcorp
Classification: Uncertain significance for Primary familial hypertrophic cardiomyopathy. Last evaluated: 2023-06-17. Review status: criteria provided, single submitter. Criteria: Invitae Variant Classification Sherloc (09022015). Collection method: clinical testing. Allele origin: germline.
Comment: In summary, the available evidence is currently insufficient to determine the role of this variant in disease. Therefore, it has been classified as a Variant of Uncertain Significance. An algorithm developed to predict the effect of missense changes on protein structure and function (PolyPhen-2) suggests that this variant is likely to be tolerated. ClinVar contains an entry for this variant (Variation ID: 1299856). This variant has not been reported in the literature in individuals affected with ILK-related conditions. This variant is present in population databases (rs576804127, gnomAD 0.004%). This sequence change replaces aspartic acid, which is acidic and polar, with glycine, which is neutral and non-polar, at codon 216 of the ILK protein (p.Asp216Gly).

Clinical Genetics DNA and cytogenetics Diagnostics Lab, Erasmus MC, Erasmus Medical Center
Classification: Uncertain significance. Review status: no assertion criteria provided. Collection method: clinical testing. Allele origin: germline. Affected: yes. Study: VKGL Data-share Consensus. Not counted in ClinVar's aggregate classification.

Diagnostic Laboratory, Department of Genetics, University Medical Center Groningen
Classification: Uncertain significance. Review status: no assertion criteria provided. Collection method: clinical testing. Allele origin: germline. Affected: yes. Study: VKGL Data-share Consensus. Not counted in ClinVar's aggregate classification.